The following is an entry in ClinVar:

ClinVar aggregate classification (germline): Uncertain significance (1 of 4 stars; one submission).

Conditions:
Developmental and epileptic encephalopathy, 1 (DEE1). Also called: X-linked infantile spasms; West's syndrome; Tonic spasms with clustering, arrest of psychomotor development and hypsarrhythmia on EEG; X-Linked Infantile Spasm Syndrome; OHTAHARA SYNDROME, X-LINKED; INFANTILE SPASM SYNDROME, X-LINKED 1. Identifiers: MedGen C3463992, MONDO:0010632, OMIM 308350. Disease mechanism: loss of function.
Autosomal dominant nonsyndromic hearing loss 65. Also called: TBC1D24-Related Autosomal Dominant Nonsyndromic Hearing Loss (DFNA); Deafness, autosomal dominant 65. Identifiers: Orphanet 90635, MedGen C3892048, MONDO:0014470, OMIM 616044.

Allele frequency attached by ClinVar (database versions not stated): gnomAD exomes 0.00001; 1000 Genomes Project 0.00020; ExAC 0.00001; 1000 Genomes Project 30x 0.00016.
gnomAD v4.1: 6 of 1,608,794 alleles (0.00037%); highest among the groups gnomAD compares: East Asian, 0.0045%; no homozygotes.

Submission:

Labcorp Genetics (formerly Invitae), Labcorp
Classification: Uncertain significance for Developmental and epileptic encephalopathy, 1; Autosomal dominant nonsyndromic hearing loss 65. Last evaluated: 2021-11-17. Review status: criteria provided, single submitter. Criteria: Invitae Variant Classification Sherloc (09022015). Collection method: clinical testing. Allele origin: germline.
Comment: This sequence change replaces alanine, which is neutral and non-polar, with threonine, which is neutral and polar, at codon 139 of the TBC1D24 protein (p.Ala139Thr). This variant is present in population databases (rs565087939, gnomAD 0.006%). This variant has not been reported in the literature in individuals affected with TBC1D24-related conditions. Algorithms developed to predict the effect of missense changes on protein structure and function are either unavailable or do not agree on the potential impact of this missense change (SIFT: "Tolerated"; PolyPhen-2: "Probably Damaging"; Align-GVGD: "Class C0"). In summary, the available evidence is currently insufficient to determine the role of this variant in disease. Therefore, it has been classified as a Variant of Uncertain Significance.

NM_001199107.2(TBC1D24):c.415G>A (p.Ala139Thr)

Gene: TBC1D24 (TBC1 domain family member 24; plus strand). Cytogenetic location: 16p13.3.
Variant type: single nucleotide variant.
Coding change: c.415G>A on transcript NM_001199107.2 (MANE Select); coding-DNA position 415, G replaced by A.
Protein change: p.Ala139Thr; replaces alanine 139 with threonine.
Molecular consequence: missense variant.
Genome position (GRCh38, 1-based): chr16:2,496,563, G>A. VCF-style: chr16-2496563-G-A. GRCh37 (hg19) VCF-style: chr16-2546564-G-A.
Other names: c.415G>A, p.Ala139Thr (NM_020705.3); short protein forms A139T.
Identifiers: ClinVar variation 1393913 (VCV001393913.6), dbSNP rs565087939, ClinGen allele CA7843996.
Genomic context (GRCh38, chr16:2,496,563, plus strand): 5'-CTGTGCCTGGCCAACCAGTTCCCCGACATCTCCTTCTGCCCCGCCCTGCCGGCCGTGGTG[G>A]CCCTGCTGCTGCACTACAGCATCGACGAGGCCGAGTGCTTCGAGAAGGCCTGCCGCATCC-3'
Protein context (NP_001186036.1, residues 129-149): SFCPALPAVV[Ala139Thr]LLLHYSIDEA